The following is an entry in ClinVar:

ClinVar aggregate classification (germline): Pathogenic (1 of 4 stars; one submission).

Conditions:
Alstrom syndrome (ALMS). Identifiers: Orphanet 64, MedGen C0268425, MONDO:0008763, OMIM 203800.

Allele frequency attached by ClinVar (database versions not stated): gnomAD 0.00001; TOPMed 0.00001.
gnomAD v4.1: 4 of 1,613,900 alleles (0.00025%); highest among the groups gnomAD compares: Non-Finnish European, 0.00034%; no homozygotes.

Submission:

Labcorp Genetics (formerly Invitae), Labcorp
Classification: Pathogenic for Alstrom syndrome. Last evaluated: 2025-10-03. Review status: criteria provided, single submitter. Criteria: Invitae Variant Classification Sherloc (09022015). Collection method: clinical testing. Allele origin: germline.
Comment: This sequence change creates a premature translational stop signal (p.Tyr1193*) in the ALMS1 gene. It is expected to result in an absent or disrupted protein product. Loss-of-function variants in ALMS1 are known to be pathogenic (PMID: 17594715). This variant is not present in population databases (gnomAD no frequency). This premature translational stop signal has been observed in individual(s) with Alstrom syndrome (PMID: 25846608, 30064963). ClinVar contains an entry for this variant (Variation ID: 1455696). For these reasons, this variant has been classified as Pathogenic.

Literature cited by the submitters: PubMed 17594715; PubMed 25846608; PubMed 30064963.

NM_001378454.1(ALMS1):c.3576C>G (p.Tyr1192Ter)

Gene: ALMS1 (ALMS1 centrosome and basal body associated protein; plus strand). Cytogenetic location: 2p13.1.
Variant type: single nucleotide variant.
Coding change: c.3576C>G on transcript NM_001378454.1 (MANE Select); coding-DNA position 3576, C replaced by G.
Protein change: p.Tyr1192Ter; replaces tyrosine 1192 with a stop codon.
Molecular consequence: nonsense.
Genome position (GRCh38, 1-based): chr2:73,450,103, C>G. VCF-style: chr2-73450103-C-G. GRCh37 (hg19) VCF-style: chr2-73677230-C-G.
Other names: c.3579C>G, p.Tyr1193Ter (NM_015120.4); short protein forms Y1192*, Y1193*.
Identifiers: ClinVar variation 1455696 (VCV001455696.6), dbSNP rs1671899045, ClinGen allele CA347275947.